The following is an entry in ClinVar:

ClinVar aggregate classification (germline): Uncertain significance (1 of 4 stars; one submission).

Conditions:
Parathyroid carcinoma (PRTC). Also called: CDC73-Related Parathyroid Carcinoma; Parathyroid gland carcinoma. Identifiers: Orphanet 143, MedGen C0687150, MONDO:0012004, OMIM 608266, HP:0006780.

Submission:

Labcorp Genetics (formerly Invitae), Labcorp
Classification: Uncertain significance for Parathyroid carcinoma. Last evaluated: 2023-11-25. Review status: criteria provided, single submitter. Criteria: Invitae Variant Classification Sherloc (09022015). Collection method: clinical testing. Allele origin: germline.
Comment: This sequence change replaces proline, which is neutral and non-polar, with arginine, which is basic and polar, at codon 265 of the CDC73 protein (p.Pro265Arg). This variant is not present in population databases (gnomAD no frequency). This variant has not been reported in the literature in individuals affected with CDC73-related conditions. Advanced modeling of protein sequence and biophysical properties (such as structural, functional, and spatial information, amino acid conservation, physicochemical variation, residue mobility, and thermodynamic stability) performed at Invitae indicates that this missense variant is not expected to disrupt CDC73 protein function with a negative predictive value of 80%. In summary, the available evidence is currently insufficient to determine the role of this variant in disease. Therefore, it has been classified as a Variant of Uncertain Significance.

NM_024529.5(CDC73):c.794C>G (p.Pro265Arg)

Gene: CDC73 (cell division cycle 73; plus strand). Cytogenetic location: 1q31.2.
Variant type: single nucleotide variant.
Coding change: c.794C>G on transcript NM_024529.5 (MANE Select); coding-DNA position 794, C replaced by G.
Protein change: p.Pro265Arg; replaces proline 265 with arginine.
Molecular consequence: missense variant.
Genome position (GRCh38, 1-based): chr1:193,147,931, C>G. VCF-style: chr1-193147931-C-G. GRCh37 (hg19) VCF-style: chr1-193117061-C-G.
Other names: short protein forms P265R.
Identifiers: ClinVar variation 2698897 (VCV002698897.3), dbSNP rs1335804597, ClinGen allele CA343964096.